The following is an entry in ClinVar:

ClinVar aggregate classification (germline): Uncertain significance. Review status: criteria provided, multiple submitters, no conflicts (2 of 4 stars). 2 submissions from 2 submitters: Uncertain significance (2). Last evaluated 2025-10-24.

Conditions:
Hereditary cancer-predisposing syndrome. Also called: Tumor predisposition; Neoplastic Syndromes, Hereditary; Hereditary Cancer Syndrome; Hereditary neoplastic syndrome. Identifiers: Orphanet 140162, MedGen C0027672, MeSH D009386, MONDO:0015356.
Neurofibromatosis, type 2 (SWNV). Also called: NF2-Related Schwannomatosis; SCHWANNOMATOSIS, VESTIBULAR; BILATERAL ACOUSTIC NEUROFIBROMATOSIS. Identifiers: Orphanet 637, MedGen C0027832, MONDO:0007039, OMIM 101000. Disease mechanism: loss of function.

Allele frequency attached by ClinVar (database versions not stated): gnomAD exomes below 0.00001; ExAC 0.00001.
gnomAD v4.1: 2 of 1,614,218 alleles (0.00012%); highest among the groups gnomAD compares: Admixed American, 0.0017%; no homozygotes.

Submissions (2):

Ambry Genetics
Classification: Uncertain significance for Hereditary cancer-predisposing syndrome. Last evaluated: 2025-10-24. Review status: criteria provided, single submitter. Criteria: Ambry Variant Classification Scheme 2023. Collection method: clinical testing. Allele origin: germline.
Comment: The p.L54R variant (also known as c.161T>G), located in coding exon 2 of the NF2 gene, results from a T to G substitution at nucleotide position 161. The leucine at codon 54 is replaced by arginine, an amino acid with dissimilar properties. This amino acid position is highly conserved in available vertebrate species. In addition, this alteration is predicted to be deleterious by in silico analysis. Based on the available evidence, the clinical significance of this variant remains unclear.

All of Us Research Program, National Institutes of Health
Classification: Uncertain significance for Neurofibromatosis, type 2. Last evaluated: 2023-06-26. Review status: criteria provided, single submitter. Criteria: ACMG Guidelines, 2015. Collection method: clinical testing. Allele origin: germline. Inheritance: Autosomal dominant inheritance. Observed: 1 variant allele, 1 heterozygote.
Comment: This missense variant replaces leucine with arginine at codon 54 of the NF2 protein. Computational prediction suggests that this variant may have deleterious impact on protein structure and function (internally defined REVEL score threshold >= 0.7, PMID: 27666373). To our knowledge, functional studies have not been reported for this variant. This variant has not been reported in individuals affected with NF2-related disorders in the literature. This variant has been identified in 1/251494 chromosomes in the general population by the Genome Aggregation Database (gnomAD). The available evidence is insufficient to determine the role of this variant in disease conclusively. Therefore, this variant is classified as a Variant of Uncertain Significance.

This study involves interpretation of variants in research participants for the purpose of population health screening. Participant phenotype was not available at the time of variant classification. Additional details can be found in publication PMID: 35346344, PMCID: PMC8962531

NM_000268.4(NF2):c.161T>G (p.Leu54Arg)

Gene: NF2 (NF2, moesin-ezrin-radixin like (MERLIN) tumor suppressor; plus strand). Cytogenetic location: 22q12.2.
Variant type: single nucleotide variant.
Coding change: c.161T>G on transcript NM_000268.4 (MANE Select); coding-DNA position 161, T replaced by G.
Protein change: p.Leu54Arg; replaces leucine 54 with arginine.
Molecular consequence: missense variant. On other transcripts: non-coding transcript variant (1), intron variant (3).
Genome position (GRCh38, 1-based): chr22:29,636,797, T>G. VCF-style: chr22-29636797-T-G. GRCh37 (hg19) VCF-style: chr22-30032786-T-G.
Other names: c.47T>G, p.Leu16Arg (NM_001407053.1, NM_001407056.1); c.161T>G, p.Leu54Arg (NM_001407054.1, NM_001407057.1, NM_001407058.1 and 9 more transcripts); c.-480T>G (NM_001407065.1); c.-96T>G (NM_001407067.1); c.115-2293T>G (NM_181828.3); c.115-5405T>G (NM_181830.3, NM_181831.3); short protein forms L54R, L16R.
Identifiers: ClinVar variation 1776588 (VCV001776588.4), dbSNP rs762440698, ClinGen allele CA031061.